The following is an entry in ClinVar:

ClinVar aggregate classification (germline): Conflicting classifications of pathogenicity. Review status: criteria provided, conflicting classifications (1 of 4 stars). 3 submissions from 3 submitters: Uncertain significance (2); Likely benign (1). Last evaluated 2025-09-09.

Conditions:
Inborn genetic diseases. Identifiers: MedGen C0950123, MeSH D030342.

gnomAD v4.1: 4 of 1,614,086 alleles (0.00025%); highest among the groups gnomAD compares: Admixed American, 0.0017%; no homozygotes.

Submissions (3):

Labcorp Genetics (formerly Invitae), Labcorp
Classification: Uncertain significance. Last evaluated: 2025-09-09. Review status: criteria provided, single submitter. Criteria: Invitae Variant Classification Sherloc (09022015). Collection method: clinical testing. Allele origin: germline.
Comment: This sequence change replaces asparagine, which is neutral and polar, with lysine, which is basic and polar, at codon 749 of the HIVEP2 protein (p.Asn749Lys). This variant is not present in population databases (gnomAD no frequency). This variant has not been reported in the literature in individuals affected with HIVEP2-related conditions. ClinVar contains an entry for this variant (Variation ID: 3676023). Invitae Evidence Modeling of protein sequence and biophysical properties (such as structural, functional, and spatial information, amino acid conservation, physicochemical variation, residue mobility, and thermodynamic stability) indicates that this missense variant is not expected to disrupt HIVEP2 protein function with a negative predictive value of 80%. In summary, the available evidence is currently insufficient to determine the role of this variant in disease. Therefore, it has been classified as a Variant of Uncertain Significance.

Ambry Genetics
Classification: Uncertain significance for Inborn genetic diseases. Last evaluated: 2025-04-07. Review status: criteria provided, single submitter. Criteria: Ambry Variant Classification Scheme 2023. Collection method: clinical testing. Allele origin: germline.

CeGaT Center for Human Genetics Tuebingen
Classification: Likely benign. Last evaluated: 2025-01-01. Review status: criteria provided, single submitter. Criteria: CeGaT Center For Human Genetics Tuebingen Variant Classification Criteria Version 2. Collection method: clinical testing. Allele origin: germline. Affected: yes. Observed: 1 variant allele.
Comment: HIVEP2: BP4

NM_006734.4(HIVEP2):c.2247C>A (p.Asn749Lys)

Gene: HIVEP2 (HIVEP zinc finger 2; minus strand). Cytogenetic location: 6q24.2.
Variant type: single nucleotide variant.
Coding change: c.2247C>A on transcript NM_006734.4 (MANE Select); coding-DNA position 2247, C replaced by A.
Protein change: p.Asn749Lys; replaces asparagine 749 with lysine.
Molecular consequence: missense variant.
Genome position (GRCh38, 1-based): chr6:142,772,492, G>T on the plus strand (C>A on the coding strand, the complement: HIVEP2 is on the minus strand). VCF-style: chr6-142772492-G-T. GRCh37 (hg19) VCF-style: chr6-143093629-G-T.
Other names: c.2247C>A (NM_006734.3); short protein forms N749K.
Identifiers: ClinVar variation 3676023 (VCV003676023.15).